The following is an entry in ClinVar:

NM_000179.3(MSH6):c.664G>C (p.Asp222His)

Gene: MSH6 (mutS homolog 6; plus strand). Cytogenetic location: 2p16.3.
Variant type: single nucleotide variant.
Coding change: c.664G>C on transcript NM_000179.3 (MANE Select); coding-DNA position 664, G replaced by C.
Protein change: p.Asp222His; replaces aspartic acid 222 with histidine.
Molecular consequence: missense variant. On other transcripts: 5 prime UTR variant (2).
Genome position (GRCh38, 1-based): chr2:47,798,647, G>C. VCF-style: chr2-47798647-G-C. GRCh37 (hg19) VCF-style: chr2-48025786-G-C.
Other names: c.274G>C, p.Asp92His (NM_001281492.2); c.-243G>C (NM_001281493.2, NM_001281494.2); short protein forms D222H, D92H.
Identifiers: ClinVar variation 1002886 (VCV001002886.9), dbSNP rs1669243103, ClinGen allele CA346739379.
Genomic context (GRCh38, chr2:47,798,647, plus strand): 5'-AAATACTCTTTCCTTGCCTGGCAGGTAGGCACAACTTACGTAACAGATAAGAGTGAAGAA[G>C]ATAATGAAATTGAGAGTGAAGAGGAAGTACAGCCTAAGACACAAGGATCTAGGCGAAGTA-3'
Protein context (NP_000170.1, residues 212-232): TTYVTDKSEE[Asp222His]NEIESEEEVQ

ClinVar aggregate classification (germline): Uncertain significance (1 of 4 stars; one submission).

Conditions:
Hereditary nonpolyposis colorectal neoplasms. Identifiers: MedGen C0009405, MeSH D003123.

Submission:

Labcorp Genetics (formerly Invitae), Labcorp
Classification: Uncertain significance for Hereditary nonpolyposis colorectal neoplasms. Last evaluated: 2020-03-24. Review status: criteria provided, single submitter. Criteria: Invitae Variant Classification Sherloc (09022015). Collection method: clinical testing. Allele origin: germline.
Comment: In summary, the available evidence is currently insufficient to determine the role of this variant in disease. Therefore, it has been classified as a Variant of Uncertain Significance. Algorithms developed to predict the effect of missense changes on protein structure and function are either unavailable or do not agree on the potential impact of this missense change (SIFT: "Tolerated"; PolyPhen-2: "Possibly Damaging"; Align-GVGD: "Class C0"). This variant has not been reported in the literature in individuals with MSH6-related conditions. This variant is not present in population databases (ExAC no frequency). This sequence change replaces aspartic acid with histidine at codon 222 of the MSH6 protein (p.Asp222His). The aspartic acid residue is weakly conserved and there is a moderate physicochemical difference between aspartic acid and histidine.